The following is an entry in ClinVar:

ClinVar aggregate classification (germline): Uncertain significance (1 of 4 stars; one submission).

Conditions:
Sulfite oxidase deficiency. Also called: Isolated sulfite oxidase deficiency. Identifiers: Orphanet 833, Orphanet 99731, MedGen C0268624, MONDO:0010089, OMIM 272300, HP:0003643.

Submission:

Labcorp Genetics (formerly Invitae), Labcorp
Classification: Uncertain significance for Sulfite oxidase deficiency. Last evaluated: 2021-11-09. Review status: criteria provided, single submitter. Criteria: Invitae Variant Classification Sherloc (09022015). Collection method: clinical testing. Allele origin: germline.
Comment: In summary, the available evidence is currently insufficient to determine the role of this variant in disease. Therefore, it has been classified as a Variant of Uncertain Significance. Algorithms developed to predict the effect of missense changes on protein structure and function (SIFT, PolyPhen-2, Align-GVGD) all suggest that this variant is likely to be disruptive. This variant has not been reported in the literature in individuals affected with SUOX-related conditions. This variant is not present in population databases (gnomAD no frequency). This sequence change replaces alanine, which is neutral and non-polar, with threonine, which is neutral and polar, at codon 129 of the SUOX protein (p.Ala129Thr).

NM_001032386.2(SUOX):c.385G>A (p.Ala129Thr)

Gene: SUOX (sulfite oxidase; plus strand). Cytogenetic location: 12q13.2.
Variant type: single nucleotide variant.
Coding change: c.385G>A on transcript NM_001032386.2 (MANE Select); coding-DNA position 385, G replaced by A.
Protein change: p.Ala129Thr; replaces alanine 129 with threonine.
Molecular consequence: missense variant.
Genome position (GRCh38, 1-based): chr12:56,003,774, G>A. VCF-style: chr12-56003774-G-A. GRCh37 (hg19) VCF-style: chr12-56397558-G-A.
Other names: c.385G>A, p.Ala129Thr (NM_000456.3, NM_001032387.2); short protein forms A129T.
Identifiers: ClinVar variation 1470683 (VCV001470683.7), dbSNP rs2136511332, ClinGen allele CA385283249.